The following is an entry in ClinVar:

ClinVar aggregate classification (germline): Likely benign. Review status: criteria provided, multiple submitters, no conflicts (2 of 4 stars). 2 submissions from 2 submitters: Likely benign (2). Last evaluated 2026-06-08.

Conditions:
Familial cancer of breast. Also called: BREAST CANCER, FAMILIAL; Hereditary breast cancer; hereditary breast carcinoma. Identifiers: Orphanet 227535, MedGen C0346153, MONDO:0016419, OMIM 114480. Disease mechanism: loss of function.
Hereditary cancer-predisposing syndrome. Also called: Tumor predisposition; Hereditary Cancer Syndrome; Hereditary neoplastic syndrome; Neoplastic Syndromes, Hereditary. Identifiers: Orphanet 140162, MedGen C0027672, MeSH D009386, MONDO:0015356.

Submissions (3):

Department of Clinical Genetics, Copenhagen University Hospital, Rigshospitalet
Classification: Likely benign for Familial cancer of breast. Last evaluated: 2026-06-08. Review status: criteria provided, single submitter. Criteria: ACMG Guidelines, 2015. Collection method: clinical testing. Allele origin: germline.
Comment: The following ACMG criteria has been used: PM2_SUP (not reported in gnomAD v.4.1); BS3 (PMID: 30209399 ); BS4 (BayesDel no-AF score ≤0.15 AND SpliceAI ≤0.1)

Ambry Genetics
Classification: Likely benign for Hereditary cancer-predisposing syndrome. Last evaluated: 2021-05-20. Review status: criteria provided, single submitter. Criteria: Ambry Variant Classification Scheme 2023. Collection method: clinical testing. Allele origin: germline.

Brotman Baty Institute, University of Washington
No classification provided (evidence only). Condition: Breast-ovarian cancer, familial 1. Review status: no classification provided. Collection method: in vitro. Allele origin: not applicable. Functional consequence: functionally_normal. Not counted in ClinVar's aggregate classification.
ClinVar note: "not provided" was previously submitted as the classification for the variant. However, the classification appeared to be based only on an observation of functional data so it was converted to no classification on 2025-07-30.

Literature cited by the submitters: PubMed 30209399 (cited by Department of Clinical Genetics, Copenhagen University Hospital, Rigshospitalet and Ambry Genetics).

NM_007294.4(BRCA1):c.5050A>G (p.Thr1684Ala)

Gene: BRCA1 (BRCA1 DNA repair associated; minus strand). Cytogenetic location: 17q21.31.
Variant type: single nucleotide variant.
Coding change: c.5050A>G on transcript NM_007294.4 (MANE Select); coding-DNA position 5050, A replaced by G.
Protein change: p.Thr1684Ala; replaces threonine 1684 with alanine.
Molecular consequence: missense variant. On other transcripts: non-coding transcript variant (1).
Genome position (GRCh38, 1-based): chr17:43,067,632, T>C on the plus strand (A>G on the coding strand, the complement: BRCA1 is on the minus strand). VCF-style: chr17-43067632-T-C. GRCh37 (hg19) VCF-style: chr17-41219649-T-C.
Other names: c.4906A>G, p.Thr1636Ala (NM_001407943.1, NM_001407944.1, NM_001407945.1 and 21 more transcripts); c.4717A>G, p.Thr1573Ala (NM_001407946.1, NM_001407947.1, NM_001407948.1 and 1 more transcripts); c.4669A>G, p.Thr1557Ala (NM_001407959.1); c.4666A>G, p.Thr1556Ala (NM_001407960.1, NM_001407962.1); c.4663A>G, p.Thr1555Ala (NM_001407963.1); c.4588A>G, p.Thr1530Ala (NM_001407964.1); c.4543A>G, p.Thr1515Ala (NM_001407965.1); c.4162A>G, p.Thr1388Ala (NM_001407966.1); and 70 more; short protein forms T1684A, T1637A, T1705A, T580A, T1388A, T1530A, T1572A, T1573A.
Identifiers: ClinVar variation 485376 (VCV000485376.9), dbSNP rs879255491, ClinGen allele CA10591418.
Genomic context (GRCh38, chr17:43,067,632, plus strand): 5'-CAGATGCAAGGTATTCTGTAAAGGTTCTTGGTATACCTGTTTTCATAACAACATGAGTAG[T>C]CTCTTCAGTAATTAGATTAGTTAAAGTGATGTGGTGTTTTCTGGCAAACTTGTACACGAG-3'
Protein context (NP_009225.1, residues 1674-1694): ITLTNLITEE[Thr1684Ala]THVVMKTDAE